The following is an entry in ClinVar:

ClinVar aggregate classification (germline): Uncertain significance (1 of 4 stars; one submission).

Submission:

Labcorp Genetics (formerly Invitae), Labcorp
Classification: Uncertain significance. Last evaluated: 2022-09-22. Review status: criteria provided, single submitter. Criteria: Invitae Variant Classification Sherloc (09022015). Collection method: clinical testing. Allele origin: germline.
Comment: This sequence change replaces leucine, which is neutral and non-polar, with phenylalanine, which is neutral and non-polar, at codon 652 of the MICAL1 protein (p.Leu652Phe). This variant is not present in population databases (gnomAD no frequency). This variant has not been reported in the literature in individuals affected with MICAL1-related conditions. Algorithms developed to predict the effect of missense changes on protein structure and function are either unavailable or do not agree on the potential impact of this missense change (SIFT: "Deleterious"; PolyPhen-2: "Benign"; Align-GVGD: "Class C0"). In summary, the available evidence is currently insufficient to determine the role of this variant in disease. Therefore, it has been classified as a Variant of Uncertain Significance.

NM_022765.4(MICAL1):c.1899A>C (p.Leu633Phe)

Gene: MICAL1 (microtubule associated monooxygenase, calponin and LIM domain containing 1; minus strand). Cytogenetic location: 6q21.
Variant type: single nucleotide variant.
Coding change: c.1899A>C on transcript NM_022765.4 (MANE Select); coding-DNA position 1899, A replaced by C.
Protein change: p.Leu633Phe; replaces leucine 633 with phenylalanine.
Molecular consequence: missense variant.
Genome position (GRCh38, 1-based): chr6:109,447,920, T>G on the plus strand (A>C on the coding strand, the complement: MICAL1 is on the minus strand). VCF-style: chr6-109447920-T-G. GRCh37 (hg19) VCF-style: chr6-109769123-T-G.
Other names: c.1641A>C, p.Leu547Phe (NM_001159291.2); c.1956A>C, p.Leu652Phe (NM_001286613.2); short protein forms L652F, L547F, L633F.
Identifiers: ClinVar variation 1941660 (VCV001941660.5), dbSNP rs2482784076, ClinGen allele CA365226602.